The following is an entry in ClinVar:

ClinVar aggregate classification (germline): Conflicting classifications of pathogenicity. Review status: criteria provided, conflicting classifications (1 of 4 stars). 4 submissions from 4 submitters: Uncertain significance (1); Likely benign (2). 1 of the submissions does not count toward it. Last evaluated 2026-01-19.

Conditions:
Autosomal recessive polycystic kidney disease (ARPKD). Also called: AR polycystic kidney disease. Identifiers: Orphanet 731, Orphanet 8378, MedGen C0085548, MeSH D017044, MONDO:0009889.

Allele frequency attached by ClinVar (database versions not stated): TOPMed 0.00009; 1000 Genomes Project 30x 0.00016; 1000 Genomes Project 0.00020; ExAC 0.00002.
gnomAD v4.1: 75 of 1,614,172 alleles (0.0046%); highest among the groups gnomAD compares: Non-Finnish European, 0.006%; no homozygotes.

Submissions (4):

Labcorp Genetics (formerly Invitae), Labcorp
Classification: Likely benign for Autosomal recessive polycystic kidney disease. Last evaluated: 2026-01-19. Review status: criteria provided, single submitter. Criteria: Invitae Variant Classification Sherloc (09022015). Collection method: clinical testing. Allele origin: germline.

Mayo Clinic Laboratories, Mayo Clinic
Classification: Likely benign. Last evaluated: 2025-12-07. Review status: criteria provided, single submitter. Criteria: ACMG Guidelines, 2015. Collection method: clinical testing. Allele origin: germline. Observed: 1 variant allele.
Comment: BP4, BP7

Eurofins Ntd Llc (ga)
Classification: Uncertain significance. Last evaluated: 2018-02-22. Review status: criteria provided, single submitter. Criteria: EGL ClinVar v180209 classification definitions. Collection method: clinical testing. Allele origin: germline. Observed: 1 variant allele, 1 heterozygote.

Natera, Inc.
Classification: Likely benign for Autosomal recessive polycystic kidney disease. Last evaluated: 2020-09-16. Review status: no assertion criteria provided. Collection method: clinical testing. Allele origin: germline. Not counted in ClinVar's aggregate classification.

NM_138694.4(PKHD1):c.5259G>T (p.Val1753=)

Gene: PKHD1 (PKHD1 ciliary IPT domain containing fibrocystin/polyductin; minus strand). Cytogenetic location: 6p12.2.
Variant type: single nucleotide variant.
Coding change: c.5259G>T on transcript NM_138694.4 (MANE Select); coding-DNA position 5259, G replaced by T.
Protein change: p.Val1753=; no amino-acid change (valine 1753 retained).
Molecular consequence: synonymous variant.
Genome position (GRCh38, 1-based): chr6:52,022,922, C>A on the plus strand (G>T on the coding strand, the complement: PKHD1 is on the minus strand). VCF-style: chr6-52022922-C-A. GRCh37 (hg19) VCF-style: chr6-51887720-C-A.
Other names: p.Val1753=; c.5259G>T, p.Val1753= (NM_170724.3).
Identifiers: ClinVar variation 596274 (VCV000596274.17), dbSNP rs200864129, ClinGen allele CA3852552.